The following is an entry in ClinVar:

ClinVar aggregate classification (germline): Pathogenic/Likely pathogenic. Review status: criteria provided, multiple submitters, no conflicts (2 of 4 stars). 2 submissions from 2 submitters: Pathogenic (1); Likely pathogenic (1). Last evaluated 2025-01-16.

Conditions:
Sanfilippo syndrome. Also called: Mucopolysaccharidosis Type III; Mucopolysaccharidosis type 3; Sanfilippo disease. Identifiers: Orphanet 581, MedGen C0026706, MONDO:0018937.
Mucopolysaccharidosis, MPS-III-D (MPS3D). Also called: MPS IIID (Sanfilippo Syndrome Type D); Mucopoly-saccharidosis type 3D; N-acetylglucosamine-6-sulfate sulfatase deficiency; MPS 3D; MUCOPOLYSACCHARIDOSIS, TYPE IIID; N-ACETYLGLUCOSAMINE-6-SULFATASE DEFICIENCY. Identifiers: Orphanet 581, Orphanet 79272, MedGen C0086650, MONDO:0009658, OMIM 252940.

Submissions (2):

Natera, Inc.
Classification: Likely pathogenic for Sanfilippo disease. Last evaluated: 2025-01-16. Review status: criteria provided, single submitter. Criteria: Natera Variant Classification Schema (03/2026). Collection method: clinical testing. Allele origin: germline.
Comment: The c.4delC variant in GNS is a frameshift variant predicted to shift the reading frame beginning at codon 2 and leads to a stop codon 5 codons downstream. This variant is expected to result in nonsense mediated decay, truncation, or a dysfunctional protein product. This variant is rare in the general population with a frequency below the threshold expected for the associated phenotype(s). Given the available evidence, this variant is classified as Likely Pathogenic.

Labcorp Genetics (formerly Invitae), Labcorp
Classification: Pathogenic for Mucopolysaccharidosis, MPS-III-D. Last evaluated: 2021-06-04. Review status: criteria provided, single submitter. Criteria: Invitae Variant Classification Sherloc (09022015). Collection method: clinical testing. Allele origin: germline.
Comment: For these reasons, this variant has been classified as Pathogenic. This sequence change creates a premature translational stop signal (p.Arg2Glyfs*5) in the GNS gene. It is expected to result in an absent or disrupted protein product. Loss-of-function variants in GNS are known to be pathogenic (PMID: 20232353). The frequency data for this variant in the population databases is considered unreliable, as metrics indicate insufficient coverage at this position in the ExAC database. This variant has not been reported in the literature in individuals with GNS-related conditions.

Literature cited by the submitters: PubMed 20232353 (cited by Labcorp Genetics (formerly Invitae), Labcorp).

NM_002076.4(GNS):c.4del (p.Arg2fs)

Gene: GNS (glucosamine (N-acetyl)-6-sulfatase; minus strand). Cytogenetic location: 12q14.3.
Variant type: Deletion.
Coding change: c.4del on transcript NM_002076.4 (MANE Select); coding-DNA position 4, one base deleted (C; older notation c.4delC).
Protein change: p.Arg2fs; shifts the reading frame from arginine 2.
Molecular consequence: frameshift variant.
Genome position (GRCh38, 1-based): chr12:64,759,273, G deleted on the plus strand (C on the coding strand, the reverse complement: GNS is on the minus strand). VCF-style (leftmost placement, unchanged base first): chr12-64759272-CG-C. GRCh37 (hg19) VCF-style: chr12-65153052-CG-C.
Other names: c.4delC (NM_002076.3); short protein forms R2fs.
Identifiers: ClinVar variation 1453450 (VCV001453450.7), dbSNP rs2136259630, ClinGen allele CA2573148960.